The following is an entry in ClinVar:

NM_001963.6(EGF):c.543C>A (p.Ser181Arg)

Gene: EGF (epidermal growth factor; plus strand). Cytogenetic location: 4q25.
Variant type: single nucleotide variant.
Coding change: c.543C>A on transcript NM_001963.6 (MANE Select); coding-DNA position 543, C replaced by A.
Protein change: p.Ser181Arg; replaces serine 181 with arginine.
Molecular consequence: missense variant.
Genome position (GRCh38, 1-based): chr4:109,943,875, C>A. VCF-style: chr4-109943875-C-A. GRCh37 (hg19) VCF-style: chr4-110865031-C-A.
Other names: c.543C>A, p.Ser181Arg (NM_001178130.3, NM_001178131.3, NM_001357021.2); short protein forms S181R.
Identifiers: ClinVar variation 4763621 (VCV004763621.1).

ClinVar aggregate classification (germline): Uncertain significance (1 of 4 stars; one submission).

Submission:

Labcorp Genetics (formerly Invitae), Labcorp
Classification: Uncertain significance. Last evaluated: 2025-05-05. Review status: criteria provided, single submitter. Criteria: Invitae Variant Classification Sherloc (09022015). Collection method: clinical testing. Allele origin: germline.
Comment: This sequence change replaces serine, which is neutral and polar, with arginine, which is basic and polar, at codon 181 of the EGF protein (p.Ser181Arg). This variant is not present in population databases (gnomAD no frequency). This variant has not been reported in the literature in individuals affected with EGF-related conditions. An algorithm developed to predict the effect of missense changes on protein structure and function (PolyPhen-2) suggests that this variant is likely to be disruptive. In summary, the available evidence is currently insufficient to determine the role of this variant in disease. Therefore, it has been classified as a Variant of Uncertain Significance.